The following is an entry in ClinVar:

NM_000051.4(ATM):c.73-14C>T

Gene: ATM (ATM serine/threonine kinase; plus strand). Cytogenetic location: 11q22.3.
Variant type: single nucleotide variant.
Coding change: c.73-14C>T on transcript NM_000051.4 (MANE Select); 14 bases into the intron before coding-DNA position 73, C replaced by T.
Molecular consequence: intron variant.
Genome position (GRCh38, 1-based): chr11:108,227,762, C>T. VCF-style: chr11-108227762-C-T. GRCh37 (hg19) VCF-style: chr11-108098489-C-T.
Other names: c.73-14C>T (NM_000051.3, NM_001351834.2, NM_001351835.2 and 1 more transcripts).
Identifiers: ClinVar variation 2199193 (VCV002199193.6), dbSNP rs766284348, ClinGen allele CA2580083011.

ClinVar aggregate classification (germline): Likely benign. Review status: criteria provided, multiple submitters, no conflicts (2 of 4 stars). 3 submissions from 3 submitters: Likely benign (3). Last evaluated 2024-05-22.

Conditions:
Familial colorectal cancer type X. Identifiers: Orphanet 440437, MedGen C3896578, MONDO:0018604.
Familial cancer of breast. Also called: hereditary breast carcinoma; Hereditary breast cancer; BREAST CANCER, FAMILIAL. Identifiers: Orphanet 227535, MedGen C0346153, MONDO:0016419, OMIM 114480. Disease mechanism: loss of function.
Ataxia-telangiectasia syndrome (AT). Also called: LOUIS-BAR SYNDROME; Ataxia-telangiectasia, complementation group D; Ataxia telangiectasia (A-T); Cerebello-oculocutaneous telangiectasia; Immunodeficiency with ataxia telangiectasia; AT, COMPLEMENTATION GROUP C. Identifiers: Orphanet 100, MedGen C0004135, MONDO:0008840, OMIM 208900.

Submissions (3):

Labcorp Genetics (formerly Invitae), Labcorp
Classification: Likely benign for Ataxia-telangiectasia syndrome. Last evaluated: 2024-05-22. Review status: criteria provided, single submitter. Criteria: Invitae Variant Classification Sherloc (09022015). Collection method: clinical testing. Allele origin: germline.

Myriad Genetics, Inc.
Classification: Likely benign for Familial cancer of breast. Last evaluated: 2024-04-17. Review status: criteria provided, single submitter. Criteria: Myriad Autosomal Dominant, Autosomal Recessive and X-Linked Classification Criteria (2023). Collection method: clinical testing. Allele origin: unknown.
Comment: This variant is considered likely benign. This variant is intronic and is not expected to impact mRNA splicing.

Department of Pathology and Laboratory Medicine, Sinai Health System
Classification: Likely benign for Familial colorectal cancer type X. Last evaluated: 2021-07-20. Review status: criteria provided, single submitter. Criteria: ACMG Guidelines, 2015. Collection method: clinical testing. Allele origin: germline. Affected: yes.